The following is an entry in ClinVar:

ClinVar aggregate classification (germline): Likely benign. Review status: criteria provided, multiple submitters, no conflicts (2 of 4 stars). 2 submissions from 2 submitters: Likely benign (2). Last evaluated 2025-08-31.

Conditions:
Inborn genetic diseases. Identifiers: MedGen C0950123, MeSH D030342.

gnomAD v4.1: 35 of 1,613,468 alleles (0.0022%); highest among the groups gnomAD compares: Middle Eastern, 0.016%; no homozygotes.

Submissions (2):

Ambry Genetics
Classification: Likely benign for Inborn genetic diseases. Last evaluated: 2025-08-31. Review status: criteria provided, single submitter. Criteria: Ambry Variant Classification Scheme 2023. Collection method: clinical testing. Allele origin: germline.

CeGaT Center for Human Genetics Tuebingen
Classification: Likely benign. Last evaluated: 2025-07-01. Review status: criteria provided, single submitter. Criteria: CeGaT Center For Human Genetics Tuebingen Variant Classification Criteria Version 2. Collection method: clinical testing. Allele origin: germline. Affected: yes. Observed: 1 variant allele.
Comment: CIC: BP4

NM_001386298.1(CIC):c.6559G>A (p.Val2187Ile)

Gene: CIC (capicua transcriptional repressor; plus strand). Cytogenetic location: 19q13.2.
Variant type: single nucleotide variant.
Coding change: c.6559G>A on transcript NM_001386298.1 (MANE Select); coding-DNA position 6559, G replaced by A.
Protein change: p.Val2187Ile; replaces valine 2187 with isoleucine.
Molecular consequence: missense variant.
Genome position (GRCh38, 1-based): chr19:42,293,628, G>A. VCF-style: chr19-42293628-G-A. GRCh37 (hg19) VCF-style: chr19-42797780-G-A.
Other names: c.6556G>A, p.Val2186Ile (NM_001439185.1, NM_001439188.1, NM_001379480.1 and 1 more transcripts); c.6559G>A, p.Val2187Ile (NM_001439186.1, NM_001439187.1, NM_001304815.2 and 2 more transcripts); c.3829G>A, p.Val1277Ile (NM_001439189.1, NM_001439191.1); c.3832G>A, p.Val1278Ile (NM_001439190.1, NM_015125.5, NM_001379484.1 and 1 more transcripts); c.3832G>A (NM_015125.3); short protein forms V1277I, V1278I, V2186I, V2187I.
Identifiers: ClinVar variation 4085032 (VCV004085032.9).
Genomic context (GRCh38, chr19:42,293,628, plus strand): 5'-TCTCCCTGCCCATCTCCACCCCAGGCCAGCAAATTCCCCAGCTCATCTTCAGACTGGCGC[G>A]TCCCTGGGCAGGGCCTGGAGAATCGTGGGGAGCCTCCCACTCCTCCCAGCCCGGCCCCAG-3'
Protein context (NP_001373227.1, residues 2177-2197): KFPSSSSDWR[Val2187Ile]PGQGLENRGE